The following is an entry in ClinVar:

ClinVar aggregate classification (germline): Conflicting classifications of pathogenicity. Review status: criteria provided, conflicting classifications (1 of 4 stars). 3 submissions from 3 submitters: Likely pathogenic (1); Uncertain significance (2). Last evaluated 2024-10-24.

Conditions:
Neurodevelopmental disorder, mitochondrial, with abnormal movements and lactic acidosis, with or without seizures. Identifiers: Orphanet 572798, MedGen C4540192, MONDO:0060578, OMIM 617710.
Inborn genetic diseases. Identifiers: MedGen C0950123, MeSH D030342.

gnomAD v4.1: 22 of 1,613,840 alleles (0.0014%); highest among the groups gnomAD compares: East Asian, 0.0045%; no homozygotes.

Submissions (3):

Labcorp Genetics (formerly Invitae), Labcorp
Classification: Uncertain significance. Last evaluated: 2024-10-24. Review status: criteria provided, single submitter. Criteria: Invitae Variant Classification Sherloc (09022015). Collection method: clinical testing. Allele origin: germline.
Comment: This sequence change replaces tryptophan, which is neutral and slightly polar, with arginine, which is basic and polar, at codon 13 of the WARS2 protein (p.Trp13Arg). This variant is present in population databases (rs139548132, gnomAD 0.01%). This variant has not been reported in the literature in individuals affected with WARS2-related conditions. ClinVar contains an entry for this variant (Variation ID: 1947813). An algorithm developed to predict the effect of missense changes on protein structure and function outputs the following: PolyPhen-2: "Benign". The arginine amino acid residue is found in multiple mammalian species, which suggests that this missense change does not adversely affect protein function. In summary, the available evidence is currently insufficient to determine the role of this variant in disease. Therefore, it has been classified as a Variant of Uncertain Significance.

Mendelics
Classification: Likely pathogenic for Neurodevelopmental disorder, mitochondrial, with abnormal movements and lactic acidosis, with or without seizures. Last evaluated: 2024-05-03. Review status: criteria provided, single submitter. Criteria: ACMG Guidelines, 2015. Collection method: clinical testing. Allele origin: unknown. Inheritance: Autosomal recessive inheritance.

Ambry Genetics
Classification: Uncertain significance for Inborn genetic diseases. Last evaluated: 2022-09-08. Review status: criteria provided, single submitter. Criteria: Ambry Variant Classification Scheme 2023. Collection method: clinical testing. Allele origin: germline.

NM_015836.4(WARS2):c.37T>C (p.Trp13Arg)

Genes: WARS2 (tryptophanyl tRNA synthetase 2, mitochondrial; minus strand), WARS2-AS1 (WARS2 antisense RNA 1; plus strand), LOC129931299 (ATAC-STARR-seq lymphoblastoid active region 1590; plus strand). Cytogenetic location: 1p12.
Variant type: single nucleotide variant.
Coding change: c.37T>C on transcript NM_015836.4 (MANE Select); coding-DNA position 37, T replaced by C.
Protein change: p.Trp13Arg; replaces tryptophan 13 with arginine.
Molecular consequence: missense variant. On other transcripts: non-coding transcript variant (4), 5 prime UTR variant (3).
Genome position (GRCh38, 1-based): chr1:119,140,608, A>G on the plus strand (T>C on the coding strand, the complement: WARS2 is on the minus strand). VCF-style: chr1-119140608-A-G. GRCh37 (hg19) VCF-style: chr1-119683231-A-G.
Other names: c.-118T>C (NM_001378226.1); c.-309T>C (NM_001378227.1); c.37T>C, p.Trp13Arg (NM_001378228.1, NM_001378229.1, NM_001378231.1 and 1 more transcripts); c.-437T>C (NM_001378230.1); short protein forms W13R.
Identifiers: ClinVar variation 1947813 (VCV001947813.6), dbSNP rs139548132, ClinGen allele CA1035416.